The following is an entry in ClinVar:

ClinVar aggregate classification (germline): Uncertain significance (1 of 4 stars; one submission).

Submission:

Labcorp Genetics (formerly Invitae), Labcorp
Classification: Uncertain significance. Last evaluated: 2024-10-09. Review status: criteria provided, single submitter. Criteria: Invitae Variant Classification Sherloc (09022015). Collection method: clinical testing. Allele origin: germline.
Comment: This sequence change replaces lysine, which is basic and polar, with asparagine, which is neutral and polar, at codon 624 of the DVL1 protein (p.Lys624Asn). This variant is not present in population databases (gnomAD no frequency). This variant has not been reported in the literature in individuals affected with DVL1-related conditions. Invitae Evidence Modeling of protein sequence and biophysical properties (such as structural, functional, and spatial information, amino acid conservation, physicochemical variation, residue mobility, and thermodynamic stability) indicates that this missense variant is not expected to disrupt DVL1 protein function with a negative predictive value of 80%. In summary, the available evidence is currently insufficient to determine the role of this variant in disease. Therefore, it has been classified as a Variant of Uncertain Significance.

NM_001330311.2(DVL1):c.1947G>T (p.Lys649Asn)

Gene: DVL1 (dishevelled segment polarity protein 1; minus strand). Cytogenetic location: 1p36.33.
Variant type: single nucleotide variant.
Coding change: c.1947G>T on transcript NM_001330311.2 (MANE Select); coding-DNA position 1947, G replaced by T.
Protein change: p.Lys649Asn; replaces lysine 649 with asparagine.
Molecular consequence: missense variant.
Genome position (GRCh38, 1-based): chr1:1,336,283, C>A on the plus strand (G>T on the coding strand, the complement: DVL1 is on the minus strand). VCF-style: chr1-1336283-C-A. GRCh37 (hg19) VCF-style: chr1-1271663-C-A.
Other names: c.1872G>T, p.Lys624Asn (NM_004421.3); short protein forms K649N, K624N.
Identifiers: ClinVar variation 3668237 (VCV003668237.2).